The following is an entry in ClinVar:

ClinVar aggregate classification (germline): Uncertain significance (1 of 4 stars; one submission).

Allele frequency attached by ClinVar (database versions not stated): gnomAD exomes below 0.00001; TOPMed 0.00001.
gnomAD v4.1: 3 of 1,604,668 alleles (0.00019%); highest among the groups gnomAD compares: Non-Finnish European, 0.000085%; no homozygotes.

Submission:

Labcorp Genetics (formerly Invitae), Labcorp
Classification: Uncertain significance. Last evaluated: 2022-08-06. Review status: criteria provided, single submitter. Criteria: Invitae Variant Classification Sherloc (09022015). Collection method: clinical testing. Allele origin: germline.
Comment: Algorithms developed to predict the effect of sequence changes on RNA splicing suggest that this variant may disrupt the consensus splice site. This variant has not been reported in the literature in individuals affected with MCM4-related conditions. This variant is not present in population databases (gnomAD no frequency). This sequence change affects a donor splice site in intron 8 of the MCM4 gene. It is expected to disrupt RNA splicing. Variants that disrupt the donor or acceptor splice site typically lead to a loss of protein function (PMID: 16199547), however the current clinical and genetic evidence is not sufficient to establish whether loss-of-function variants in MCM4 cause disease. In summary, the available evidence is currently insufficient to determine the role of this variant in disease. Therefore, it has been classified as a Variant of Uncertain Significance.

Literature cited by the submitters: PubMed 16199547.

NM_182746.3(MCM4):c.1053+1G>T

Gene: MCM4 (minichromosome maintenance complex component 4; plus strand). Cytogenetic location: 8q11.21.
Variant type: single nucleotide variant.
Coding change: c.1053+1G>T on transcript NM_182746.3 (MANE Select); the canonical splice donor site of the intron after coding-DNA position 1053, G replaced by T.
Molecular consequence: splice donor variant.
Genome position (GRCh38, 1-based): chr8:47,966,408, G>T. VCF-style: chr8-47966408-G-T. GRCh37 (hg19) VCF-style: chr8-48878968-G-T.
Other names: c.1053+1G>T (NM_005914.4).
Identifiers: ClinVar variation 2015648 (VCV002015648.4), dbSNP rs946153278, ClinGen allele CA176156168.